The following is an entry in ClinVar:

ClinVar aggregate classification (germline): Uncertain significance. Review status: criteria provided, multiple submitters, no conflicts (2 of 4 stars). 2 submissions from 2 submitters: Uncertain significance (2). Last evaluated 2024-03-27.

Conditions:
Ataxia-telangiectasia syndrome (AT). Also called: Cerebello-oculocutaneous telangiectasia; Immunodeficiency with ataxia telangiectasia; Ataxia-telangiectasia, complementation group E; Ataxia telangiectasia (A-T); LOUIS-BAR SYNDROME; ATAXIA-TELANGIECTASIA, COMPLEMENTATION GROUP A. Identifiers: Orphanet 100, MedGen C0004135, MONDO:0008840, OMIM 208900.
Hereditary cancer-predisposing syndrome. Also called: Hereditary Cancer Syndrome; Hereditary neoplastic syndrome; Tumor predisposition; Neoplastic Syndromes, Hereditary. Identifiers: Orphanet 140162, MedGen C0027672, MeSH D009386, MONDO:0015356.

Submissions (2):

Labcorp Genetics (formerly Invitae), Labcorp
Classification: Uncertain significance for Ataxia-telangiectasia syndrome. Last evaluated: 2024-03-27. Review status: criteria provided, single submitter. Criteria: Invitae Variant Classification Sherloc (09022015). Collection method: clinical testing. Allele origin: germline.
Comment: This sequence change replaces proline, which is neutral and non-polar, with leucine, which is neutral and non-polar, at codon 1296 of the ATM protein (p.Pro1296Leu). This variant is not present in population databases (gnomAD no frequency). This variant has not been reported in the literature in individuals affected with ATM-related conditions. An algorithm developed to predict the effect of missense changes on protein structure and function (PolyPhen-2) suggests that this variant is likely to be disruptive. In summary, the available evidence is currently insufficient to determine the role of this variant in disease. Therefore, it has been classified as a Variant of Uncertain Significance.

Color Diagnostics, LLC DBA Color Health
Classification: Uncertain significance for Hereditary cancer-predisposing syndrome. Last evaluated: 2022-12-21. Review status: criteria provided, single submitter. Criteria: ACMG Guidelines, 2015. Collection method: clinical testing. Allele origin: germline.
Comment: This missense variant replaces proline with leucine at codon 1296 of the ATM protein. Computational prediction suggests that this variant may have deleterious impact on protein structure and function (internally defined REVEL score threshold >= 0.7, PMID: 27666373). To our knowledge, functional studies have not been reported for this variant. This variant has not been reported in individuals affected with ATM-related disorders in the literature. This variant has not been identified in the general population by the Genome Aggregation Database (gnomAD). The available evidence is insufficient to determine the role of this variant in disease conclusively. Therefore, this variant is classified as a Variant of Uncertain Significance.

NM_000051.4(ATM):c.3887C>T (p.Pro1296Leu)

Gene: ATM (ATM serine/threonine kinase; plus strand). Cytogenetic location: 11q22.3.
Variant type: single nucleotide variant.
Coding change: c.3887C>T on transcript NM_000051.4 (MANE Select); coding-DNA position 3887, C replaced by T.
Protein change: p.Pro1296Leu; replaces proline 1296 with leucine.
Molecular consequence: missense variant.
Genome position (GRCh38, 1-based): chr11:108,284,367, C>T. VCF-style: chr11-108284367-C-T. GRCh37 (hg19) VCF-style: chr11-108155094-C-T.
Other names: c.3887C>T, p.Pro1296Leu (NM_001351834.2); short protein forms P1296L.
Identifiers: ClinVar variation 2774653 (VCV002774653.4), dbSNP rs2135707584, ClinGen allele CA382525477.